The following is an entry in ClinVar:

NM_003873.7(NRP1):c.2432-4T>A

Gene: NRP1 (neuropilin 1; minus strand). Cytogenetic location: 10p11.22.
Variant type: single nucleotide variant.
Coding change: c.2432-4T>A on transcript NM_003873.7 (MANE Select); 4 bases into the intron before coding-DNA position 2432, T replaced by A.
Molecular consequence: intron variant.
Genome position (GRCh38, 1-based): chr10:33,182,752, A>T on the plus strand (T>A on the coding strand, the complement: NRP1 is on the minus strand). VCF-style: chr10-33182752-A-T. GRCh37 (hg19) VCF-style: chr10-33471680-A-T.
Other names: c.2411-4T>A (NM_001244973.2); c.2414-4T>A (NM_001244972.2); c.2432-2387T>A (NM_001330068.2).
Identifiers: ClinVar variation 3351042 (VCV003351042.1).

ClinVar aggregate classification (germline): Likely benign (0 of 4 stars; one submission).

Conditions:
NRP1-related disorder. Also called: NRP1-related condition.

gnomAD v4.1: 29 of 1,610,706 alleles (0.0018%); highest among the groups gnomAD compares: African/African-American, 0.036%; no homozygotes.

Submission:

PreventionGenetics, part of Exact Sciences
Classification: Likely benign for NRP1-related condition. Last evaluated: 2021-09-01. Review status: no assertion criteria provided. Collection method: clinical testing. Allele origin: germline.
Comment: This variant is classified as likely benign based on ACMG/AMP sequence variant interpretation guidelines (Richards et al. 2015 PMID: 25741868, with internal and published modifications).